The following is an entry in ClinVar:

ClinVar aggregate classification (germline): Uncertain significance. Review status: criteria provided, multiple submitters, no conflicts (2 of 4 stars). 2 submissions from 2 submitters: Uncertain significance (2). Last evaluated 2024-10-30.

Allele frequency attached by ClinVar (database versions not stated): gnomAD 0.00001; TOPMed 0.00002.
gnomAD v4.1: 2 of 1,613,932 alleles (0.00012%); highest among the groups gnomAD compares: Admixed American, 0.0017%; no homozygotes.

Submissions (2):

Labcorp Genetics (formerly Invitae), Labcorp
Classification: Uncertain significance. Last evaluated: 2024-10-30. Review status: criteria provided, single submitter. Criteria: Invitae Variant Classification Sherloc (09022015). Collection method: clinical testing. Allele origin: germline.
Comment: This sequence change replaces glycine, which is neutral and non-polar, with cysteine, which is neutral and slightly polar, at codon 335 of the GABRB1 protein (p.Gly335Cys). This variant is not present in population databases (gnomAD no frequency). This variant has not been reported in the literature in individuals affected with GABRB1-related conditions. ClinVar contains an entry for this variant (Variation ID: 1378121). Invitae Evidence Modeling of protein sequence and biophysical properties (such as structural, functional, and spatial information, amino acid conservation, physicochemical variation, residue mobility, and thermodynamic stability) indicates that this missense variant is not expected to disrupt GABRB1 protein function with a negative predictive value of 80%. In summary, the available evidence is currently insufficient to determine the role of this variant in disease. Therefore, it has been classified as a Variant of Uncertain Significance.

GeneDx
Classification: Uncertain significance. Last evaluated: 2022-03-10. Review status: criteria provided, single submitter. Criteria: GeneDx Variant Classification Process June 2021. Collection method: clinical testing. Allele origin: germline. Affected: yes.
Comment: Not observed at significant frequency in large population cohorts (gnomAD); In silico analysis supports that this missense variant has a deleterious effect on protein structure/function; Has not been previously published as pathogenic or benign to our knowledge

NM_000812.4(GABRB1):c.1003G>T (p.Gly335Cys)

Gene: GABRB1 (gamma-aminobutyric acid type A receptor subunit beta1; plus strand). Cytogenetic location: 4p12.
Variant type: single nucleotide variant.
Coding change: c.1003G>T on transcript NM_000812.4 (MANE Select); coding-DNA position 1003, G replaced by T.
Protein change: p.Gly335Cys; replaces glycine 335 with cysteine.
Molecular consequence: missense variant.
Genome position (GRCh38, 1-based): chr4:47,406,849, G>T. VCF-style: chr4-47406849-G-T. GRCh37 (hg19) VCF-style: chr4-47408866-G-T.
Other names: short protein forms G335C.
Identifiers: ClinVar variation 1378121 (VCV001378121.9), dbSNP rs1728589686, ClinGen allele CA356811828.